The following is an entry in ClinVar:

NM_001165963.4(SCN1A):c.949T>C (p.Tyr317His)

Gene: SCN1A (sodium voltage-gated channel alpha subunit 1; minus strand). Cytogenetic location: 2q24.3.
Variant type: single nucleotide variant.
Coding change: c.949T>C on transcript NM_001165963.4 (MANE Select); coding-DNA position 949, T replaced by C.
Protein change: p.Tyr317His; replaces tyrosine 317 with histidine.
Molecular consequence: missense variant. On other transcripts: 5 prime UTR variant (1), non-coding transcript variant (1).
Genome position (GRCh38, 1-based): chr2:166,051,734, A>G on the plus strand (T>C on the coding strand, the complement: SCN1A is on the minus strand). VCF-style: chr2-166051734-A-G. GRCh37 (hg19) VCF-style: chr2-166908244-A-G.
Other names: c.949T>C, p.Tyr317His (NM_001165964.3, NM_001202435.3, NM_001353948.2 and 10 more transcripts); c.-1477T>C (NM_001353961.2); short protein forms Y317H.
Identifiers: ClinVar variation 530489 (VCV000530489.49), dbSNP rs1553549461, ClinGen allele CA349072487.

ClinVar aggregate classification (germline): Pathogenic. Review status: criteria provided, multiple submitters, no conflicts (2 of 4 stars). 2 submissions from 2 submitters: Pathogenic (2). Last evaluated 2025-09-08.

Conditions:
Early-infantile DEE. Also called: Early infantile epileptic encephalopathy; Ohtahara syndrome; Early infantile epileptic encephalopathy with suppression bursts. Identifiers: Orphanet 1934, MedGen C0393706, MONDO:0800491.

Submissions (2):

Labcorp Genetics (formerly Invitae), Labcorp
Classification: Pathogenic for Early-infantile DEE. Last evaluated: 2025-09-08. Review status: criteria provided, single submitter. Criteria: Invitae Variant Classification Sherloc (09022015). Collection method: clinical testing. Allele origin: germline.
Comment: This sequence change replaces tyrosine, which is neutral and polar, with histidine, which is basic and polar, at codon 317 of the SCN1A protein (p.Tyr317His). This variant is not present in population databases (gnomAD no frequency). This missense change has been observed in individual(s) with clinical features of autosomal dominant SCN1A-related conditions and/or Dravet syndrome (PMID: 25459968, 32427350; internal data). ClinVar contains an entry for this variant (Variation ID: 530489). Invitae Evidence Modeling of protein sequence and biophysical properties (such as structural, functional, and spatial information, amino acid conservation, physicochemical variation, residue mobility, and thermodynamic stability) indicates that this missense variant is expected to disrupt SCN1A protein function with a positive predictive value of 95%. For these reasons, this variant has been classified as Pathogenic.

CeGaT Center for Human Genetics Tuebingen
Classification: Pathogenic. Last evaluated: 2018-03-01. Review status: criteria provided, single submitter. Criteria: CeGaT Center For Human Genetics Tuebingen Variant Classification Criteria Version 2. Collection method: clinical testing. Allele origin: germline. Affected: yes. Observed: 1 variant allele.

Literature cited by the submitters: PubMed 25459968 (cited by Labcorp Genetics (formerly Invitae), Labcorp); PubMed 32427350 (cited by Labcorp Genetics (formerly Invitae), Labcorp).